The following is an entry in ClinVar:

ClinVar aggregate classification (germline): Uncertain significance. Review status: criteria provided, multiple submitters, no conflicts (2 of 4 stars). 3 submissions from 3 submitters: Uncertain significance (2). 1 of the submissions does not count toward it. Last evaluated 2024-06-19.

Conditions:
Palmoplantar keratoderma, epidermolytic, 2 (EPPK2). Also called: KERATOSIS OF GREITHER; GREITHER SYNDROME. Identifiers: MedGen C2936837, MONDO:0957303, OMIM 620411.

gnomAD v4.1: 1 of 1,614,154 alleles (0.000062%); highest among the groups gnomAD compares: Non-Finnish European, 0.000085%; no homozygotes.

Submissions (3):

Labcorp Genetics (formerly Invitae), Labcorp
Classification: Uncertain significance. Last evaluated: 2024-06-19. Review status: criteria provided, single submitter. Criteria: Invitae Variant Classification Sherloc (09022015). Collection method: clinical testing. Allele origin: germline.
Comment: This sequence change replaces alanine, which is neutral and non-polar, with aspartic acid, which is acidic and polar, at codon 436 of the KRT1 protein (p.Ala436Asp). This variant is not present in population databases (gnomAD no frequency). This missense change has been observed in individual(s) with palmoplantar keratoderma (PMID: 37122192). ClinVar contains an entry for this variant (Variation ID: 2433262). Advanced modeling of protein sequence and biophysical properties (such as structural, functional, and spatial information, amino acid conservation, physicochemical variation, residue mobility, and thermodynamic stability) performed at Invitae indicates that this missense variant is expected to disrupt KRT1 protein function with a positive predictive value of 80%. In summary, the available evidence is currently insufficient to determine the role of this variant in disease. Therefore, it has been classified as a Variant of Uncertain Significance.

Revvity Omics, Revvity
Classification: Uncertain significance. Last evaluated: 2019-12-20. Review status: criteria provided, single submitter. Criteria: ACMG Guidelines, 2015. Collection method: clinical testing. Allele origin: germline.

OMIM
Classification: Pathogenic for PALMOPLANTAR KERATODERMA, EPIDERMOLYTIC, 2. Last evaluated: 2023-11-30. Review status: no assertion criteria provided. Collection method: literature only. Allele origin: germline. Not counted in ClinVar's aggregate classification.

Literature cited by the submitters: PubMed 37122192 (cited by Labcorp Genetics (formerly Invitae), Labcorp and OMIM).

NM_006121.4(KRT1):c.1307C>A (p.Ala436Asp)

Gene: KRT1 (keratin 1; minus strand). Cytogenetic location: 12q13.13.
Variant type: single nucleotide variant.
Coding change: c.1307C>A on transcript NM_006121.4 (MANE Select); coding-DNA position 1307, C replaced by A.
Protein change: p.Ala436Asp; replaces alanine 436 with aspartic acid.
Molecular consequence: missense variant.
Genome position (GRCh38, 1-based): chr12:52,676,443, G>T on the plus strand (C>A on the coding strand, the complement: KRT1 is on the minus strand). VCF-style: chr12-52676443-G-T. GRCh37 (hg19) VCF-style: chr12-53070227-G-T.
Other names: short protein forms A436D.
Identifiers: ClinVar variation 2433262 (VCV002433262.8), dbSNP rs1184058811, ClinGen allele CA384963376.
Genomic context (GRCh38, chr12:52,676,443, plus strand): 5'-TCCTTGGCCTGCTGCAGGGCATCCTCCAGGTCATTCAGCTTGTTCTTGGCATCCTTGAGG[G>T]CATTCTCGCCACGCTGCTCTGCATCACTGATGGACTGCTGCAAGTTGGAGATCTGAAAAA-3'
Protein context (NP_006112.3, residues 426-446): ISDAEQRGEN[Ala436Asp]LKDAKNKLND